The following is an entry in ClinVar:

NM_024996.7(GFM1):c.1429G>T (p.Asp477Tyr)

Gene: GFM1 (G elongation factor mitochondrial 1; plus strand). Cytogenetic location: 3q25.32.
Variant type: single nucleotide variant.
Coding change: c.1429G>T on transcript NM_024996.7 (MANE Select); coding-DNA position 1429, G replaced by T.
Protein change: p.Asp477Tyr; replaces aspartic acid 477 with tyrosine.
Molecular consequence: missense variant. On other transcripts: non-coding transcript variant (4).
Genome position (GRCh38, 1-based): chr3:158,665,385, G>T. VCF-style: chr3-158665385-G-T. GRCh37 (hg19) VCF-style: chr3-158383174-G-T.
Other names: c.1486G>T, p.Asp496Tyr (NM_001308164.2); c.1429G>T, p.Asp477Tyr (NM_001308166.2); c.1348G>T, p.Asp450Tyr (NM_001374355.1); c.1312G>T, p.Asp438Tyr (NM_001374356.1); c.1204G>T, p.Asp402Tyr (NM_001374357.1); c.970G>T, p.Asp324Tyr (NM_001374358.1); c.862G>T, p.Asp288Tyr (NM_001374359.1, NM_001374360.1); c.745G>T, p.Asp249Tyr (NM_001374361.1); short protein forms D477Y, D496Y, D249Y, D288Y, D324Y, D402Y, D438Y, D450Y.
Identifiers: ClinVar variation 618664 (VCV000618664.12), dbSNP rs138058648, ClinGen allele CA2682659.
Genomic context (GRCh38, chr3:158,665,385, plus strand): 5'-CTTCTTTTAAAGAACGATCTGGAAAAATTTTCAAAAGGTATTGGCAGGTTTACAAGAGAA[G>T]ATCCCACATTTAAAGTATACTTTGACACTGAGAACAAAGAGACAGTTATATCTGGAATGG-3'
Protein context (NP_079272.4, residues 467-487): SKGIGRFTRE[Asp477Tyr]PTFKVYFDTE

ClinVar aggregate classification (germline): Uncertain significance. Review status: criteria provided, multiple submitters, no conflicts (2 of 4 stars). 4 submissions from 4 submitters: Uncertain significance (3). 1 of the submissions does not count toward it. Last evaluated 2025-08-21.

Conditions:
Hepatoencephalopathy due to combined oxidative phosphorylation defect type 1. Also called: HEPATOENCEPHALOPATHY, EARLY FATAL PROGRESSIVE. Identifiers: Orphanet 137681, MedGen C1836797, MONDO:0012191, OMIM 609060.
Inborn genetic diseases. Identifiers: MedGen C0950123, MeSH D030342.

Allele frequency attached by ClinVar (database versions not stated): ExAC 0.00001; gnomAD 0.00001 and 0.00002; gnomAD exomes 0.00002; TOPMed 0.00003; ESP Exome Variant Server 0.00015.
gnomAD v4.1: 31 of 1,610,002 alleles (0.0019%); highest among the groups gnomAD compares: Non-Finnish European, 0.0025%; no homozygotes.

Submissions (4):

Ambry Genetics
Classification: Uncertain significance for Inborn genetic diseases. Last evaluated: 2025-08-21. Review status: criteria provided, single submitter. Criteria: Ambry Variant Classification Scheme 2023. Collection method: clinical testing. Allele origin: germline.

Blueprint Genetics
Classification: Uncertain significance. Last evaluated: 2024-05-29. Review status: criteria provided, single submitter. Criteria: ACMG Guidelines, 2015. Collection method: clinical testing. Allele origin: germline.

ARUP Laboratories, Molecular Genetics and Genomics, ARUP Laboratories
Classification: Uncertain significance. Last evaluated: 2017-07-18. Review status: criteria provided, single submitter. Criteria: ARUP Molecular Germline Variant Investigation Process. Collection method: clinical testing. Allele origin: germline.
Comment: The p.Asp477Tyr variant (rs138058648) has not been reported in the medical literature, is not listed in gene-specific variant databases, nor has it been previously identified in our laboratory. It is listed in the Genome Aggregation Database (gnomAD) browser with a frequency in non-Finnish Europeans of 0.004% (identified in 4 out of 109,818 chromosomes).The aspartic acid at codon 477 is highly conserved considering 12 species up to Bakerâ€™s yeast (Alamut software v2.9), and computational analyses suggest this variant has a significant effect on GFM1 protein structure/function (SIFT: damaging, PolyPhen2: probably damaging, and Mutation Taster: disease causing). However, based on the available information, the clinical significance of the p.Asp477Tyr variant cannot be determined with certainty.

Natera, Inc.
Classification: Uncertain significance for Combined oxidative phosphorylation deficiency 1. Last evaluated: 2019-10-28. Review status: no assertion criteria provided. Collection method: clinical testing. Allele origin: germline. Not counted in ClinVar's aggregate classification.